The following is an entry in ClinVar:

ClinVar aggregate classification (germline): Uncertain significance (1 of 4 stars; one submission).

Conditions:
Cerebral arteriopathy, autosomal dominant, with subcortical infarcts and leukoencephalopathy, type 1 (CADASIL1). Also called: CASIL; Cerebral arteriopathy with subcortical infarcts and leukoencephalopathy 1; DEMENTIA, HEREDITARY MULTIINFARCT TYPE; CADASIL 1. Identifiers: Orphanet 136, MedGen C4551768, MONDO:0000914, OMIM 125310.

Allele frequency attached by ClinVar (database versions not stated): gnomAD exomes below 0.00001.
gnomAD v4.1: 1 of 1,614,144 alleles (0.000062%); highest among the groups gnomAD compares: Non-Finnish European, 0.000085%; no homozygotes.

Submission:

Institute of Human Genetics, University of Goettingen
Classification: Uncertain significance for Cerebral arteriopathy, autosomal dominant, with subcortical infarcts and leukoencephalopathy, type 1. Last evaluated: 2023-07-03. Review status: criteria provided, single submitter. Criteria: ACMG Guidelines, 2015. Collection method: clinical testing. Allele origin: unknown. Inheritance: Autosomal dominant inheritance. Observed: 1 heterozygote.
Comment: The variant c.1927T>G (p.(Cys643Gly)) in exon 12 of the NOTCH3-gene is not found in the gnomAD database, it affects a highly conserved nucleotide and a highly conserved amino acid within a protein domain and there is a large physicochemical difference between Cys and Gly. This variant has a pathogenic computational verdict based on in silico prediction algorithms. ACMG criteria used for classification: PM2_mod, PP2, PP3.

NM_000435.3(NOTCH3):c.1927T>G (p.Cys643Gly)

Gene: NOTCH3 (notch receptor 3; minus strand). Cytogenetic location: 19p13.12.
Variant type: single nucleotide variant.
Coding change: c.1927T>G on transcript NM_000435.3 (MANE Select); coding-DNA position 1927, T replaced by G.
Protein change: p.Cys643Gly; replaces cysteine 643 with glycine.
Molecular consequence: missense variant.
Genome position (GRCh38, 1-based): chr19:15,186,902, A>C on the plus strand (T>G on the coding strand, the complement: NOTCH3 is on the minus strand). VCF-style: chr19-15186902-A-C. GRCh37 (hg19) VCF-style: chr19-15297713-A-C.
Other names: short protein forms C643G.
Identifiers: ClinVar variation 2507034 (VCV002507034.1), dbSNP rs2512656926, ClinGen allele CA404524024.